The following is an entry in ClinVar:

ClinVar aggregate classification (germline): Uncertain significance (1 of 4 stars; one submission).

Submissions (2):

GeneDx
Classification: Uncertain significance. Last evaluated: 2020-07-14. Review status: criteria provided, single submitter. Criteria: GeneDx Variant Classification Process June 2021. Collection method: clinical testing. Allele origin: germline. Affected: yes.
Comment: Has not been previously published as pathogenic or benign to our knowledge; Not observed in large population cohorts (Lek et al., 2016); In silico analysis supports that this missense variant does not alter protein structure/function

Dr. Peter K. Rogan Lab, Western University
No classification provided (evidence only). Condition: Thyroid cancer, nonmedullary, 1. Review status: no classification provided. Collection method: in vitro. Allele origin: not applicable. Functional consequence: retained intron. Not counted in ClinVar's aggregate classification.

NM_001042750.2(STAG2):c.2537G>T (p.Gly846Val)

Gene: STAG2 (STAG2 cohesin complex component; plus strand). Cytogenetic location: Xq25.
Variant type: single nucleotide variant.
Coding change: c.2537G>T on transcript NM_001042750.2 (MANE Select); coding-DNA position 2537, G replaced by T.
Protein change: p.Gly846Val; replaces glycine 846 with valine.
Molecular consequence: missense variant.
Genome position (GRCh38, 1-based): chrX:124,076,335, G>T. VCF-style: chrX-124076335-G-T. GRCh37 (hg19) VCF-style: chrX-123210185-G-T.
Other names: NC_000023.10:g.123210185G>T; c.2537G>T, p.Gly846Val (NM_001042749.2, NM_001042751.2, NM_001282418.2 and 13 more transcripts); short protein forms G846V.
Identifiers: ClinVar variation 1320870 (VCV001320870.3), dbSNP rs2148406190, ClinGen allele CA414277845.